The following is an entry in ClinVar:

ClinVar aggregate classification (germline): Uncertain significance (1 of 4 stars; one submission).

Conditions:
2-aminoadipic 2-oxoadipic aciduria (AAKAD). Also called: ALPHA-AMINOADIPIC AND ALPHA-KETOADIPIC ACIDURIA; Aminoadipic aciduria. Identifiers: Orphanet 79154, MedGen C1859817, MONDO:0008774, OMIM 204750.

Allele frequency attached by ClinVar (database versions not stated): ExAC 0.00005; TOPMed 0.00005; gnomAD 0.00007; ESP Exome Variant Server 0.00015; 1000 Genomes Project 0.00040; 1000 Genomes Project 30x 0.00062.
gnomAD v4.1: 17 of 1,592,884 alleles (0.0011%); highest among the groups gnomAD compares: African/African-American, 0.019%; no homozygotes.

Submission:

Labcorp Genetics (formerly Invitae), Labcorp
Classification: Uncertain significance for 2-aminoadipic 2-oxoadipic aciduria. Last evaluated: 2024-02-01. Review status: criteria provided, single submitter. Criteria: Invitae Variant Classification Sherloc (09022015). Collection method: clinical testing. Allele origin: germline.
Comment: This sequence change falls in intron 8 of the DHTKD1 gene. It does not directly change the encoded amino acid sequence of the DHTKD1 protein. It affects a nucleotide within the consensus splice site. This variant is present in population databases (rs369606311, gnomAD 0.03%). This variant has not been reported in the literature in individuals affected with DHTKD1-related conditions. ClinVar contains an entry for this variant (Variation ID: 1430487). Variants that disrupt the consensus splice site are a relatively common cause of aberrant splicing (PMID: 17576681, 9536098). Algorithms developed to predict the effect of sequence changes on RNA splicing suggest that this variant is not likely to affect RNA splicing. In summary, the available evidence is currently insufficient to determine the role of this variant in disease. Therefore, it has been classified as a Variant of Uncertain Significance.

Literature cited by the submitters: PubMed 17576681; PubMed 9536098.

NM_018706.7(DHTKD1):c.1671+3G>A

Gene: DHTKD1 (dehydrogenase E1 and transketolase domain containing 1; plus strand). Cytogenetic location: 10p14.
Variant type: single nucleotide variant.
Coding change: c.1671+3G>A on transcript NM_018706.7 (MANE Select); 3 bases into the intron after coding-DNA position 1671, G replaced by A.
Molecular consequence: intron variant.
Genome position (GRCh38, 1-based): chr10:12,097,999, G>A. VCF-style: chr10-12097999-G-A. GRCh37 (hg19) VCF-style: chr10-12139998-G-A.
Identifiers: ClinVar variation 1430487 (VCV001430487.9), dbSNP rs369606311, ClinGen allele CA5407906.